The following is an entry in ClinVar:

NM_000071.3(CBS):c.209+1_209+8del

Gene: CBS (cystathionine beta-synthase; minus strand). Cytogenetic location: 21q22.3.
Variant type: Deletion.
Coding change: c.209+1_209+8del on transcript NM_000071.3 (MANE Select); the canonical splice donor site of the intron after coding-DNA position 209 through 8 bases into the intron after coding-DNA position 209, 8 bases deleted (GTAAGTCC; older notation c.209+1_209+8delGTAAGTCC).
Molecular consequence: splice donor variant.
Genome position (GRCh38, 1-based): chr21:43,071,977-43,071,984, GGACTTAC deleted on the plus strand (GTAAGTCC on the coding strand, the reverse complement: CBS is on the minus strand); deleting any 8 consecutive bases within chr21:43,071,977-43,071,986 gives the same sequence; the c. name uses the placement nearest the transcript's 3' end. VCF-style (leftmost placement, unchanged base first): chr21-43071976-AGGACTTAC-A. GRCh37 (hg19) VCF-style: chr21-44492086-AGGACTTAC-A.
Other names: c.209+1_209+8del (NM_000071.2, NM_001320298.2, NM_001178009.3 and 1 more transcripts).
Identifiers: ClinVar variation 1516091 (VCV001516091.7), dbSNP rs2146427112, ClinGen allele CA2573157512.

ClinVar aggregate classification (germline): Likely pathogenic. Review status: criteria provided, multiple submitters, no conflicts (2 of 4 stars). 2 submissions from 2 submitters: Likely pathogenic (2). Last evaluated 2024-09-29.

Conditions:
Classic homocystinuria. Also called: HOMOCYSTINURIA WITH OR WITHOUT RESPONSE TO PYRIDOXINE; Homocystinuria due to Cystathionine Beta-Synthase Deficiency; Homocystinuria due to CBS deficiency; Cystathionine beta-synthase deficiency; CBS deficiency. Identifiers: Orphanet 394, MedGen C0751202, MONDO:0009352, OMIM 236200.
HYPERHOMOCYSTEINEMIA, THROMBOTIC, CBS-RELATED. Identifiers: MedGen C3150344, OMIM 236200.

Submissions (2):

Natera, Inc.
Classification: Likely pathogenic for Homocystinuria due to cystathionine beta-synthase deficiency. Last evaluated: 2024-09-29. Review status: criteria provided, single submitter. Criteria: Natera Variant Classification Schema (03/2026). Collection method: clinical testing. Allele origin: germline.
Comment: The c.209+1_209+8del variant in CBS is a canonical splice donor site variant predicted to affect pre-mRNA splicing, which may result in an abnormal transcript and altered protein product. This variant is expected to result in nonsense mediated decay, truncation, or a dysfunctional protein product. This variant is rare in the general population with a frequency below the threshold expected for the associated phenotype(s). Given the available evidence, this variant is classified as Likely Pathogenic.

Labcorp Genetics (formerly Invitae), Labcorp
Classification: Likely pathogenic for HYPERHOMOCYSTEINEMIA, THROMBOTIC, CBS-RELATED. Last evaluated: 2022-06-01. Review status: criteria provided, single submitter. Criteria: Invitae Variant Classification Sherloc (09022015). Collection method: clinical testing. Allele origin: germline.
Comment: In summary, the currently available evidence indicates that the variant is pathogenic, but additional data are needed to prove that conclusively. Therefore, this variant has been classified as Likely Pathogenic. This sequence change affects a splice site in intron 3 of the CBS gene. It is expected to disrupt RNA splicing. Variants that disrupt the donor or acceptor splice site typically lead to a loss of protein function (PMID: 16199547), and loss-of-function variants in CBS are known to be pathogenic (PMID: 10338090, 12124992). This variant is not present in population databases (gnomAD no frequency). This variant has not been reported in the literature in individuals affected with CBS-related conditions. ClinVar contains an entry for this variant (Variation ID: 1516091). Algorithms developed to predict the effect of sequence changes on RNA splicing suggest that this variant may disrupt the consensus splice site.

Literature cited by the submitters: PubMed 16199547 (cited by Labcorp Genetics (formerly Invitae), Labcorp); PubMed 10338090 (cited by Labcorp Genetics (formerly Invitae), Labcorp); PubMed 12124992 (cited by Labcorp Genetics (formerly Invitae), Labcorp).